The following continues an entry in ClinVar:

NM_007194.4(CHEK2):c.541C>T (p.Arg181Cys)

Gene: CHEK2. ClinVar aggregate classification (germline): Conflicting classifications of pathogenicity. Uncertain significance (21); Benign (1); Likely benign (1).

Submissions 21 to 28 of 28:

Sema4
Classification: Uncertain significance for Hereditary cancer-predisposing syndrome. Last evaluated: 2021-12-08. Review status: criteria provided, single submitter. Criteria: Sema4 Curation Guidelines. Collection method: curation. Allele origin: germline.
Comment: The CHEK2 c.541C>T (p.R181C) missense variant has been reported in several individual with prostate cancer, breast cancer, colorectal cancer, pediatric acute lymphoblastic leukemia (PMID 12533788, 22419737, 29520813, 18996005, 26580448, 18058223), and in healthy controls (PMID 30287823). This variant is also reported in 6 cases and 3 controls in a large dataset of 60,466 women with breast cancer and 53,461 controls (PMID 33471991). This variant was observed in 16/30612 chromosomes in the South Asian population according to the Genome Aggregation Database (PMID: 32461654). This variant has been reported in ClinVar (Variation ID 5597). In vivo assays in yeast cells and human cell line (HCT15) lacking CHEK2 suggest that variant causes intermediate to no reduction in growth, and partial reduction in CHEK2 kinase activity (PMID 22419737, 30851065, 16835864). In silico predictions of the variant's effect on protein function are inconclusive. The overall evidence is insufficient to meet ACMG/AMP criteria for classifying it as benign or pathogenic. In summary, the clinical significance of this variant is currently uncertain.

Institute for Clinical Genetics, University Hospital TU Dresden, University Hospital TU Dresden
Classification: Uncertain significance. Last evaluated: 2021-11-03. Review status: criteria provided, single submitter. Criteria: ACMG Guidelines, 2015. Collection method: clinical testing. Allele origin: germline.

Genomic Research Center, Shahid Beheshti University of Medical Sciences
Classification: Uncertain significance for Familial cancer of breast. Last evaluated: 2020-05-03. Review status: criteria provided, single submitter. Criteria: ACMG Guidelines, 2015. Collection method: clinical testing. Allele origin: unknown. Affected: yes.

Genetic Services Laboratory, University of Chicago
Classification: Uncertain significance. Last evaluated: 2022-06-10. Review status: no assertion criteria provided. Collection method: clinical testing. Allele origin: germline. Affected: no. Not counted in ClinVar's aggregate classification.
Comment: DNA sequence analysis of the CHEK2 gene demonstrated a sequence change, c.541C>T, in exon 4 that results in an amino acid change, p.Arg181Cys. This sequence change has been previously described in one individual with prostate cancer (PMID: 29520813) and has been described in the gnomAD database with a frequency of 0.011% in the overall population (dbSNP rs137853010). The p.Arg181Cys change affects a poorly conserved amino acid residue located in a domain of the CHEK2 protein that is known to be functional. In-silico pathogenicity prediction tools (SIFT, PolyPhen2, Align GVGD, REVEL) provide contradictory results for the p.Arg181Cys substitution. Due to insufficient evidences and the lack of functional studies, the clinical significance of the p.Arg181Cys change remains unknown at this time.

Counsyl
Classification: Uncertain significance for Familial cancer of breast. Last evaluated: 2016-11-08. Review status: no assertion criteria provided. Collection method: clinical testing. Allele origin: unknown. Not counted in ClinVar's aggregate classification.

OMIM
Classification: Pathogenic for PROSTATE CANCER, SOMATIC. Last evaluated: 2003-02-01. Review status: no assertion criteria provided. Collection method: literature only. Allele origin: somatic. Not counted in ClinVar's aggregate classification.

Clinical Genetics DNA and cytogenetics Diagnostics Lab, Erasmus MC, Erasmus Medical Center
Classification: Uncertain significance. Review status: no assertion criteria provided. Collection method: clinical testing. Allele origin: germline. Affected: yes. Study: VKGL Data-share Consensus. Not counted in ClinVar's aggregate classification.

Joint Genome Diagnostic Labs from Nijmegen and Maastricht, Radboudumc and MUMC+
Classification: Uncertain significance. Review status: no assertion criteria provided. Collection method: clinical testing. Allele origin: germline. Affected: yes. Study: VKGL Data-share Consensus. Not counted in ClinVar's aggregate classification.

Literature cited by the submitters: PubMed 18058223 (cited by 8 submitters); PubMed 18996005 (cited by 7 submitters); PubMed 22419737 (cited by 8 submitters); PubMed 29522266 (cited by 5 submitters); PubMed 36468172 (cited by 4 submitters); PubMed 16835864 (cited by 9 submitters); PubMed 30851065 (cited by 8 submitters); PubMed 12533788 (cited by 7 submitters); PubMed 19782031 (cited by Women's Health and Genetics/Laboratory Corporation of America, LabCorp); PubMed 26580448 (cited by 5 submitters); PubMed 28125078 (cited by Women's Health and Genetics/Laboratory Corporation of America, LabCorp); PubMed 30287823 (cited by 4 submitters); PubMed 31050813 (cited by 5 submitters); PubMed 29520813 (cited by 6 submitters); PubMed 16941491 (cited by Women's Health and Genetics/Laboratory Corporation of America, LabCorp and Ambry Genetics); PubMed 32980694 (cited by Women's Health and Genetics/Laboratory Corporation of America, LabCorp); PubMed 32906206 (cited by Women's Health and Genetics/Laboratory Corporation of America, LabCorp and Department of Pathology and Laboratory Medicine, Sinai Health System); PubMed 33471991 (cited by 5 submitters); PubMed 32923877 (cited by Women's Health and Genetics/Laboratory Corporation of America, LabCorp and Quest Diagnostics Nichols Institute San Juan Capistrano); PubMed 34711244 (cited by 3 submitters); PubMed 28873162 (cited by 4 submitters); PubMed 28779002 (cited by Quest Diagnostics Nichols Institute San Juan Capistrano); PubMed 37449874 (cited by Color Diagnostics, LLC DBA Color Health and Ambry Genetics); PubMed 31409080 (cited by Ambry Genetics).